The following is an entry in ClinVar:

ClinVar aggregate classification (germline): Uncertain significance. Review status: criteria provided, multiple submitters, no conflicts (2 of 4 stars). 2 submissions from 2 submitters: Uncertain significance (2). Last evaluated 2024-10-11.

Conditions:
Inborn genetic diseases. Identifiers: MedGen C0950123, MeSH D030342.
Autosomal dominant Parkinson disease 8. Also called: LRRK2-Related Parkinson Disease; Parkinson disease 8; Parkinson disease 8, susceptibility to. Identifiers: Orphanet 411602, MedGen C1846862, MONDO:0011764, OMIM 607060.

Allele frequency attached by ClinVar (database versions not stated): gnomAD exomes below 0.00001.
gnomAD v4.1: 4 of 1,593,364 alleles (0.00025%); highest among the groups gnomAD compares: Non-Finnish European, 0.00034%; no homozygotes.

Submissions (2):

Ambry Genetics
Classification: Uncertain significance for Inborn genetic diseases. Last evaluated: 2024-10-11. Review status: criteria provided, single submitter. Criteria: Ambry Variant Classification Scheme 2023. Collection method: clinical testing. Allele origin: germline.
Comment: The p.R552K variant (also known as c.1655G>A), located in coding exon 14 of the LRRK2 gene, results from a G to A substitution at nucleotide position 1655. The arginine at codon 552 is replaced by lysine, an amino acid with highly similar properties. This amino acid position is conserved. In addition, this alteration is predicted to be tolerated by in silico analysis. Since supporting evidence is limited at this time, the clinical significance of this alteration remains unclear.

Illumina Laboratory Services, Illumina
Classification: Uncertain significance for Autosomal dominant Parkinson disease 8. Last evaluated: 2017-04-27. Review status: criteria provided, single submitter. Criteria: ICSL Variant Classification Criteria 13 December 2019. Collection method: clinical testing. Allele origin: germline.

NM_198578.4(LRRK2):c.1655G>A (p.Arg552Lys)

Gene: LRRK2 (leucine rich repeat kinase 2; plus strand). Cytogenetic location: 12q12.
Variant type: single nucleotide variant.
Coding change: c.1655G>A on transcript NM_198578.4 (MANE Select); coding-DNA position 1655, G replaced by A.
Protein change: p.Arg552Lys; replaces arginine 552 with lysine.
Molecular consequence: missense variant.
Genome position (GRCh38, 1-based): chr12:40,263,900, G>A. VCF-style: chr12-40263900-G-A. GRCh37 (hg19) VCF-style: chr12-40657702-G-A.
Other names: short protein forms R552K.
Identifiers: ClinVar variation 881176 (VCV000881176.7), dbSNP rs1942888332, ClinGen allele CA384399333.